The following is an entry in ClinVar:

ClinVar aggregate classification (germline): Benign/Likely benign. Review status: criteria provided, multiple submitters, no conflicts (2 of 4 stars). 4 submissions from 4 submitters: Benign (1); Likely benign (3). Last evaluated 2026-02-01.

Conditions:
Inborn genetic diseases. Identifiers: MedGen C0950123, MeSH D030342.
Cornelia de Lange syndrome 4 (CDLS4). Also called: CORNELIA DE LANGE SYNDROME 4 WITH OR WITHOUT MIDLINE BRAIN DEFECTS; RAD21-Related Cornelia de Lange Syndrome. Identifiers: Orphanet 199, MedGen C3553517, MONDO:0013864, OMIM 614701.

Allele frequency attached by ClinVar (database versions not stated): 1000 Genomes Project 30x 0.00016; 1000 Genomes Project 0.00020; gnomAD exomes 0.00031; ExAC 0.00060; gnomAD 0.00060; TOPMed 0.00007; ESP Exome Variant Server 0.00015.

Submissions (4):

CeGaT Center for Human Genetics Tuebingen
Classification: Likely benign. Last evaluated: 2026-02-01. Review status: criteria provided, single submitter. Criteria: CeGaT Center For Human Genetics Tuebingen Variant Classification Criteria Version 2. Collection method: clinical testing. Allele origin: germline. Affected: yes. Observed: 1 variant allele.
Comment: RAD21: BS2

Labcorp Genetics (formerly Invitae), Labcorp
Classification: Benign for Cornelia de Lange syndrome 4. Last evaluated: 2025-12-08. Review status: criteria provided, single submitter. Criteria: Invitae Variant Classification Sherloc (09022015). Collection method: clinical testing. Allele origin: germline.

Blueprint Genetics
Classification: Likely benign. Last evaluated: 2024-10-01. Review status: criteria provided, single submitter. Criteria: ACMG Guidelines, 2015. Collection method: clinical testing. Allele origin: germline.

Ambry Genetics
Classification: Likely benign for Inborn genetic diseases. Last evaluated: 2018-01-26. Review status: criteria provided, single submitter. Criteria: Ambry Variant Classification Scheme 2023. Collection method: clinical testing. Allele origin: germline.

NM_006265.3(RAD21):c.1564C>G (p.Leu522Val)

Gene: RAD21 (RAD21 cohesin complex component; minus strand). Cytogenetic location: 8q24.11.
Variant type: single nucleotide variant.
Coding change: c.1564C>G on transcript NM_006265.3 (MANE Select); coding-DNA position 1564, C replaced by G.
Protein change: p.Leu522Val; replaces leucine 522 with valine.
Molecular consequence: missense variant.
Genome position (GRCh38, 1-based): chr8:116,850,674, G>C on the plus strand (C>G on the coding strand, the complement: RAD21 is on the minus strand). VCF-style: chr8-116850674-G-C. GRCh37 (hg19) VCF-style: chr8-117862913-G-C.
Other names: short protein forms L522V.
Identifiers: ClinVar variation 1775332 (VCV001775332.12), dbSNP rs199878247, ClinGen allele CA4852777.